The following is an entry in ClinVar:

ClinVar aggregate classification (germline): Uncertain significance. Review status: criteria provided, multiple submitters, no conflicts (2 of 4 stars). 2 submissions from 2 submitters: Uncertain significance (2). Last evaluated 2025-11-22.

Conditions:
Hypertrophic cardiomyopathy. Also called: HYPERTROPHIC MYOCARDIOPATHY. Identifiers: Orphanet 217569, MedGen C0007194, MeSH D002312, MONDO:0005045, HP:0001639.
Cardiomyopathy (CMYO). Also called: Cardiomyopathies. Identifiers: Orphanet 167848, MedGen C0878544, MONDO:0004994, HP:0001638. Inheritance: Various modes of inheritance.

Submissions (2):

Labcorp Genetics (formerly Invitae), Labcorp
Classification: Uncertain significance for Hypertrophic cardiomyopathy. Last evaluated: 2025-11-22. Review status: criteria provided, single submitter. Criteria: Invitae Variant Classification Sherloc (09022015). Collection method: clinical testing. Allele origin: germline.
Comment: This sequence change replaces glycine, which is neutral and non-polar, with glutamic acid, which is acidic and polar, at codon 1620 of the MYH7 protein (p.Gly1620Glu). This variant is not present in population databases (gnomAD no frequency). This variant has not been reported in the literature in individuals affected with MYH7-related conditions. ClinVar contains an entry for this variant (Variation ID: 3387288). Invitae Evidence Modeling of protein sequence and biophysical properties (such as structural, functional, and spatial information, amino acid conservation, physicochemical variation, residue mobility, and thermodynamic stability) indicates that this missense variant is expected to disrupt MYH7 protein function with a positive predictive value of 95%. In summary, the available evidence is currently insufficient to determine the role of this variant in disease. Therefore, it has been classified as a Variant of Uncertain Significance.

All of Us Research Program, National Institutes of Health
Classification: Uncertain significance for Cardiomyopathy. Last evaluated: 2024-02-22. Review status: criteria provided, single submitter. Criteria: ACMG Guidelines, 2015. Collection method: clinical testing. Allele origin: germline. Inheritance: Autosomal dominant inheritance. Observed: 1 variant allele, 1 heterozygote.
Comment: This missense variant replaces glycine with glutamic acid at codon 1620 of the MYH7 protein. Computational prediction is inconclusive regarding the impact of this variant on protein structure and function (internally defined REVEL score threshold 0.5 < inconclusive < 0.7, PMID: 27666373). To our knowledge, functional studies have not been reported for this variant. This variant has not been reported in individuals affected with MYH7-related disorders in the literature. This variant has not been identified in the general population by the Genome Aggregation Database (gnomAD). The available evidence is insufficient to determine the role of this variant in disease conclusively. Therefore, this variant is classified as a Variant of Uncertain Significance.

This study involves interpretation of variants in research participants for the purpose of population health screening. Participant phenotype was not available at the time of variant classification. Additional details can be found in publication PMID: 35346344, PMCID: PMC8962531

NM_000257.4(MYH7):c.4859G>A (p.Gly1620Glu)

Genes: MHRT (myosin heavy chain associated RNA transcript; plus strand), MYH7 (myosin heavy chain 7; minus strand), LOC126861897 (BRD4-independent group 4 enhancer GRCh37_chr14:23884455-23885654; plus strand). Cytogenetic location: 14q11.2.
Variant type: single nucleotide variant.
Coding change: c.4859G>A on transcript NM_000257.4 (MANE Select); coding-DNA position 4859, G replaced by A.
Protein change: p.Gly1620Glu; replaces glycine 1620 with glutamic acid.
Molecular consequence: missense variant. On other transcripts: non-coding transcript variant (1).
Genome position (GRCh38, 1-based): chr14:23,416,098, C>T on the plus strand (G>A on the coding strand, the complement: MYH7 is on the minus strand). VCF-style: chr14-23416098-C-T. GRCh37 (hg19) VCF-style: chr14-23885307-C-T.
Other names: c.4859G>A, p.Gly1620Glu (NM_001407004.1); short protein forms G1620E.
Identifiers: ClinVar variation 3387288 (VCV003387288.2).